The following is an entry in ClinVar:

ClinVar aggregate classification (germline): Conflicting classifications of pathogenicity. Review status: criteria provided, conflicting classifications (1 of 4 stars). 3 submissions from 3 submitters: Uncertain significance (2); Likely benign (1). Last evaluated 2025-04-29.

Conditions:
Inborn genetic diseases. Identifiers: MedGen C0950123, MeSH D030342.
Spastic paraplegia. Identifiers: MedGen C0037772, HP:0001258.

Allele frequency attached by ClinVar (database versions not stated): ESP Exome Variant Server 0.00031; ExAC 0.00019; gnomAD 0.00017 and 0.00019; gnomAD exomes 0.00026; TOPMed 0.00022.
gnomAD v4.1: 488 of 1,614,060 alleles (0.03%); highest among the groups gnomAD compares: Middle Eastern, 0.066%; no homozygotes.

Submissions (3):

Mayo Clinic Laboratories, Mayo Clinic
Classification: Uncertain significance. Last evaluated: 2025-04-29. Review status: criteria provided, single submitter. Criteria: ACMG Guidelines, 2015. Collection method: clinical testing. Allele origin: germline. Observed: 1 variant allele.
Comment: BP4_moderate

Ambry Genetics
Classification: Likely benign for Inborn genetic diseases. Last evaluated: 2023-03-13. Review status: criteria provided, single submitter. Criteria: Ambry Variant Classification Scheme 2023. Collection method: clinical testing. Allele origin: germline.

Labcorp Genetics (formerly Invitae), Labcorp
Classification: Uncertain significance for Spastic paraplegia. Last evaluated: 2022-10-18. Review status: criteria provided, single submitter. Criteria: Invitae Variant Classification Sherloc (09022015). Collection method: clinical testing. Allele origin: germline.
Comment: This sequence change replaces arginine, which is basic and polar, with glutamine, which is neutral and polar, at codon 870 of the GBA2 protein (p.Arg870Gln). This variant is present in population databases (rs199510198, gnomAD 0.04%). This variant has not been reported in the literature in individuals affected with GBA2-related conditions. ClinVar contains an entry for this variant (Variation ID: 528000). Algorithms developed to predict the effect of missense changes on protein structure and function output the following: SIFT: "Tolerated"; PolyPhen-2: "Benign"; Align-GVGD: "Class C0". The glutamine amino acid residue is found in multiple mammalian species, which suggests that this missense change does not adversely affect protein function. In summary, the available evidence is currently insufficient to determine the role of this variant in disease. Therefore, it has been classified as a Variant of Uncertain Significance.

NM_020944.3(GBA2):c.2609G>A (p.Arg870Gln)

Gene: GBA2 (glucosylceramidase beta 2; minus strand). Cytogenetic location: 9p13.3.
Variant type: single nucleotide variant.
Coding change: c.2609G>A on transcript NM_020944.3 (MANE Select); coding-DNA position 2609, G replaced by A.
Protein change: p.Arg870Gln; replaces arginine 870 with glutamine.
Molecular consequence: missense variant. On other transcripts: 3 prime UTR variant (1).
Genome position (GRCh38, 1-based): chr9:35,737,344, C>T on the plus strand (G>A on the coding strand, the complement: GBA2 is on the minus strand). VCF-style: chr9-35737344-C-T. GRCh37 (hg19) VCF-style: chr9-35737341-C-T.
Other names: p.Arg870Gln; c.*132G>A (NM_001330660.2); short protein forms R870Q.
Identifiers: ClinVar variation 528000 (VCV000528000.10), dbSNP rs199510198, ClinGen allele CA5050033.